The following is an entry in ClinVar:

NM_020702.5(MYORG):c.1463G>C (p.Arg488Pro)

Gene: MYORG (myogenesis regulating glycosidase; minus strand). Cytogenetic location: 9p13.3.
Variant type: single nucleotide variant.
Coding change: c.1463G>C on transcript NM_020702.5 (MANE Select); coding-DNA position 1463, G replaced by C.
Protein change: p.Arg488Pro; replaces arginine 488 with proline.
Molecular consequence: missense variant.
Genome position (GRCh38, 1-based): chr9:34,371,481, C>G on the plus strand (G>C on the coding strand, the complement: MYORG is on the minus strand). VCF-style: chr9-34371481-C-G. GRCh37 (hg19) VCF-style: chr9-34371479-C-G.
Other names: short protein forms R488P.
Identifiers: ClinVar variation 2025047 (VCV002025047.4), dbSNP rs1161667955, ClinGen allele CA373241126.

ClinVar aggregate classification (germline): Uncertain significance (1 of 4 stars; one submission).

Allele frequency attached by ClinVar (database versions not stated): TOPMed below 0.00001.

Submission:

Labcorp Genetics (formerly Invitae), Labcorp
Classification: Uncertain significance. Last evaluated: 2024-06-03. Review status: criteria provided, single submitter. Criteria: Invitae Variant Classification Sherloc (09022015). Collection method: clinical testing. Allele origin: germline.
Comment: This sequence change replaces arginine, which is basic and polar, with proline, which is neutral and non-polar, at codon 488 of the KIAA1161 protein (p.Arg488Pro). This variant is not present in population databases (gnomAD no frequency). This variant has not been reported in the literature in individuals affected with KIAA1161-related conditions. ClinVar contains an entry for this variant (Variation ID: 2025047). Advanced modeling of protein sequence and biophysical properties (such as structural, functional, and spatial information, amino acid conservation, physicochemical variation, residue mobility, and thermodynamic stability) performed at Invitae indicates that this missense variant is not expected to disrupt KIAA1161 protein function with a negative predictive value of 80%. In summary, the available evidence is currently insufficient to determine the role of this variant in disease. Therefore, it has been classified as a Variant of Uncertain Significance.